The following is an entry in ClinVar:

NM_005378.6(MYCN):c.804TGAAGAGGAAGA[1] (p.268DEEE[1])

Gene: MYCN (MYCN proto-oncogene, bHLH transcription factor; plus strand). Cytogenetic location: 2p24.3.
Variant type: Microsatellite.
Coding change: c.804TGAAGAGGAAGA[1] on transcript NM_005378.6 (MANE Select); one copy of the 12-base unit TGAAGAGGAAGA starting at c.804; the reference has two copies in a row; one copy, 12 bases deleted; also written c.816_827del.
Protein change: p.268DEEE[1].
Molecular consequence: inframe deletion. On other transcripts: 3 prime UTR variant (1).
Genome position (GRCh38, 1-based): chr2:15,945,518-15,945,529, TGAAGAGGAAGA deleted; deleting any 12 consecutive bases within chr2:15,945,504-15,945,529 gives the same sequence; the position shown is the placement nearest the transcript's 3' end. VCF-style (leftmost placement, unchanged base first): chr2-15945503-TGATGAAGAGGAA-T. GRCh37 (hg19) VCF-style: chr2-16085625-TGATGAAGAGGAA-T.
Other names: c.804TGAAGAGGAAGA[1], p.268DEEE[1] (NM_001293228.2); c.171TGAAGAGGAAGA[1], p.57DEEE[1] (NM_001293231.2); c.*739TGAAGAGGAAGA[1] (NM_001293233.2); c.816_827del (NM_005378.6).
Identifiers: ClinVar variation 2720923 (VCV002720923.4), dbSNP rs745328158, ClinGen allele CA1538247.

ClinVar aggregate classification (germline): Uncertain significance. Review status: criteria provided, multiple submitters, no conflicts (2 of 4 stars). 2 submissions from 2 submitters: Uncertain significance (2). Last evaluated 2025-01-06.

Conditions:
Feingold syndrome type 1 (FGLDS1). Also called: MICROCEPHALY AND DIGITAL ABNORMALITIES WITH NORMAL INTELLIGENCE; MICROCEPHALY, MENTAL RETARDATION, AND TRACHEOESOPHAGEAL FISTULA SYNDROME; MICROCEPHALY-OCULO-DIGITO-ESOPHAGEAL-DUODENAL SYNDROME; OCULODIGITOESOPHAGODUODENAL SYNDROME; ODED SYNDROME. Identifiers: Orphanet 1305, Orphanet 391641, MedGen C4551774, MONDO:0008115, OMIM 164280.
Megalencephaly-polydactyly syndrome (MPAPA). Identifiers: MedGen C5935591, MONDO:0958279, OMIM 620748.

Submissions (2):

Labcorp Genetics (formerly Invitae), Labcorp
Classification: Uncertain significance. Last evaluated: 2025-01-06. Review status: criteria provided, single submitter. Criteria: Invitae Variant Classification Sherloc (09022015). Collection method: clinical testing. Allele origin: germline.
Comment: This variant, c.816_827del, results in the deletion of 4 amino acid(s) of the MYCN protein (p.Asp272_Glu275del), but otherwise preserves the integrity of the reading frame. This variant is present in population databases (rs778401489, gnomAD 0.01%). This variant has not been reported in the literature in individuals affected with MYCN-related conditions. Experimental studies and prediction algorithms are not available or were not evaluated, and the functional significance of this variant is currently unknown. In summary, the available evidence is currently insufficient to determine the role of this variant in disease. Therefore, it has been classified as a Variant of Uncertain Significance.

Fulgent Genetics
Classification: Uncertain significance for Feingold syndrome type 1; Megalencephaly-polydactyly syndrome. Last evaluated: 2024-04-03. Review status: criteria provided, single submitter. Criteria: ACMG Guidelines, 2015. Collection method: clinical testing. Allele origin: germline.